The following is an entry in ClinVar:

NM_000089.4(COL1A2):c.1089C>G (p.Pro363=)

Gene: COL1A2 (collagen type I alpha 2 chain; plus strand). Cytogenetic location: 7q21.3.
Variant type: single nucleotide variant.
Coding change: c.1089C>G on transcript NM_000089.4 (MANE Select); coding-DNA position 1089, C replaced by G.
Protein change: p.Pro363=; no amino-acid change (proline 363 retained).
Molecular consequence: synonymous variant.
Genome position (GRCh38, 1-based): chr7:94,410,295, C>G. VCF-style: chr7-94410295-C-G. GRCh37 (hg19) VCF-style: chr7-94039607-C-G.
Identifiers: ClinVar variation 963542 (VCV000963542.11), dbSNP rs748961276, ClinGen allele CA456488489.

ClinVar aggregate classification (germline): Conflicting classifications of pathogenicity. Review status: criteria provided, conflicting classifications (1 of 4 stars). 5 submissions from 5 submitters: Uncertain significance (2); Likely benign (1). 2 of the submissions do not count toward it. Last evaluated 2025-11-25.

Conditions:
Osteogenesis imperfecta type I (OI1). Also called: Lobstein's Disease; OI, TYPE I; OSTEOGENESIS IMPERFECTA TARDA; OSTEOGENESIS IMPERFECTA WITH BLUE SCLERAE; Osteogenesis imperfecta type 1; Lobstein disease. Identifiers: Orphanet 216796, Orphanet 666, MedGen C0023931, MONDO:0008146, OMIM 166200. Disease mechanism: loss of function.
Ehlers-Danlos syndrome, classic type, 1 (EDSCL1). Also called: Ehlers-Danlos syndrome, type 1; EHLERS-DANLOS SYNDROME, GRAVIS TYPE; EHLERS-DANLOS SYNDROME, SEVERE CLASSIC TYPE; EDS I; Ehlers-Danlos Syndrome, Classic Type, COL5A1-Related. Identifiers: MedGen C0268335, MONDO:0019567, OMIM 130000.
Cardiovascular phenotype. Identifiers: MedGen CN230736.

gnomAD v4.1: 19 of 1,613,914 alleles (0.0012%); highest among the groups gnomAD compares: Non-Finnish European, 0.0016%; no homozygotes.

Submissions (5):

Labcorp Genetics (formerly Invitae), Labcorp
Classification: Uncertain significance for Osteogenesis imperfecta type I; Ehlers-Danlos syndrome, classic type, 1. Last evaluated: 2025-11-25. Review status: criteria provided, single submitter. Criteria: Invitae Variant Classification Sherloc (09022015). Collection method: clinical testing. Allele origin: germline.
Comment: This sequence change affects codon 363 of the COL1A2 mRNA. It is a 'silent' change, meaning that it does not change the encoded amino acid sequence of the COL1A2 protein. It affects a nucleotide within the consensus splice site. This variant is present in population databases (no rsID available, gnomAD 0.002%). This variant has not been reported in the literature in individuals affected with COL1A2-related conditions. ClinVar contains an entry for this variant (Variation ID: 963542). Algorithms developed to predict the effect of sequence changes on RNA splicing suggest that this variant is not likely to affect RNA splicing. In summary, the available evidence is currently insufficient to determine the role of this variant in disease. Therefore, it has been classified as a Variant of Uncertain Significance.

Women's Health and Genetics/Laboratory Corporation of America, LabCorp
Classification: Uncertain significance. Last evaluated: 2025-09-03. Review status: criteria provided, single submitter. Criteria: LabCorp Variant Classification Summary - May 2015. Collection method: clinical testing. Allele origin: germline.
Comment: Variant summary: COL1A2 c.1089C>G (p.Pro363Pro) alters a conserved nucleotide located close to a canonical splice site and therefore could affect mRNA splicing, leading to a significantly altered protein sequence. Consensus agreement among computation tools predict no significant impact on normal splicing. However, these predictions have yet to be confirmed by functional studies. The variant allele was found at a frequency of 8e-06 in 251364 control chromosomes. The available data on variant occurrences in the general population are insufficient to allow any conclusion about variant significance. To our knowledge, no occurrence of c.1089C>G in individuals affected with COL1A2-related conditions and no experimental evidence demonstrating its impact on protein function have been reported. ClinVar contains an entry for this variant (Variation ID: 963542). Based on the evidence outlined above, the variant was classified as uncertain significance.

Ambry Genetics
Classification: Likely benign for Cardiovascular phenotype. Last evaluated: 2019-10-21. Review status: criteria provided, single submitter. Criteria: Ambry Variant Classification Scheme 2023. Collection method: clinical testing. Allele origin: germline.

Clinical Genetics DNA and cytogenetics Diagnostics Lab, Erasmus MC, Erasmus Medical Center
Classification: Likely benign. Review status: no assertion criteria provided. Collection method: clinical testing. Allele origin: germline. Affected: yes. Study: VKGL Data-share Consensus. Not counted in ClinVar's aggregate classification.

Genome Diagnostics Laboratory, Amsterdam University Medical Center
Classification: Likely benign. Review status: no assertion criteria provided. Collection method: clinical testing. Allele origin: germline. Affected: yes. Study: VKGL Data-share Consensus. Not counted in ClinVar's aggregate classification.